The following is an entry in ClinVar:

ClinVar aggregate classification (germline): Uncertain significance. Review status: criteria provided, single submitter (1 of 4 stars). 2 submissions from 2 submitters: Uncertain significance (1). 1 of the submissions does not count toward it. Last evaluated 2021-09-01.

Conditions:
Nemaline myopathy 2 (NEM2). Also called: Nemaline myopathy 2, autosomal recessive. Identifiers: MedGen C1850569, MONDO:0009725, OMIM 256030.

Allele frequency attached by ClinVar (database versions not stated): ExAC 0.00001; gnomAD 0.00001; gnomAD exomes 0.00001; TOPMed 0.00001.
gnomAD v4.1: 10 of 1,612,940 alleles (0.00062%); highest among the groups gnomAD compares: Admixed American, 0.0017%; no homozygotes.

Submissions (2):

Labcorp Genetics (formerly Invitae), Labcorp
Classification: Uncertain significance for Nemaline myopathy 2. Last evaluated: 2021-09-01. Review status: criteria provided, single submitter. Criteria: Invitae Variant Classification Sherloc (09022015). Collection method: clinical testing. Allele origin: germline.
Comment: This sequence change replaces alanine with glycine at codon 1044 of the NEB protein (p.Ala1044Gly). The alanine residue is moderately conserved and there is a small physicochemical difference between alanine and glycine. This variant is present in population databases (rs748741238, ExAC 0.001%). This variant has not been reported in the literature in individuals affected with NEB-related conditions. Algorithms developed to predict the effect of missense changes on protein structure and function are either unavailable or do not agree on the potential impact of this missense change (SIFT: "Deleterious"; PolyPhen-2: "Not Available"; Align-GVGD: "Class C0"). In summary, the available evidence is currently insufficient to determine the role of this variant in disease. Therefore, it has been classified as a Variant of Uncertain Significance.

Natera, Inc.
Classification: Uncertain significance for Nemaline myopathy type 2. Last evaluated: 2020-10-13. Review status: no assertion criteria provided. Collection method: clinical testing. Allele origin: germline. Not counted in ClinVar's aggregate classification.

NM_001164508.2(NEB):c.3131C>G (p.Ala1044Gly)

Gene: NEB (nebulin; minus strand). Cytogenetic location: 2q23.3.
Variant type: single nucleotide variant.
Coding change: c.3131C>G on transcript NM_001164508.2 (MANE Select); coding-DNA position 3131, C replaced by G.
Protein change: p.Ala1044Gly; replaces alanine 1044 with glycine.
Molecular consequence: missense variant.
Genome position (GRCh38, 1-based): chr2:151,679,934, G>C on the plus strand (C>G on the coding strand, the complement: NEB is on the minus strand). VCF-style: chr2-151679934-G-C. GRCh37 (hg19) VCF-style: chr2-152536448-G-C.
Other names: c.3131C>G, p.Ala1044Gly (NM_001164507.2, NM_001271208.2, NM_004543.5); short protein forms A1044G.
Identifiers: ClinVar variation 962207 (VCV000962207.10), dbSNP rs748741238, ClinGen allele CA1911012.